The following is an entry in ClinVar:

NM_001080.3(ALDH5A1):c.1336G>C (p.Val446Leu)

Gene: ALDH5A1 (aldehyde dehydrogenase 5 family member A1; plus strand). Cytogenetic location: 6p22.3.
Variant type: single nucleotide variant.
Coding change: c.1336G>C on transcript NM_001080.3 (MANE Select); coding-DNA position 1336, G replaced by C.
Protein change: p.Val446Leu; replaces valine 446 with leucine.
Molecular consequence: missense variant.
Genome position (GRCh38, 1-based): chr6:24,528,159, G>C. VCF-style: chr6-24528159-G-C. GRCh37 (hg19) VCF-style: chr6-24528387-G-C.
Other names: c.1192G>C, p.Val398Leu (NM_001368954.1); c.1375G>C, p.Val459Leu (NM_170740.1); short protein forms V398L, V446L, V459L.
Identifiers: ClinVar variation 1063951 (VCV001063951.9), dbSNP rs370942126, ClinGen allele CA3656907.

ClinVar aggregate classification (germline): Uncertain significance (1 of 4 stars; one submission).

Conditions:
Succinate-semialdehyde dehydrogenase deficiency (SSADHD). Also called: Succinic Semialdehyde Dehydrogenase Deficiency; SSADH DEFICIENCY; 4-HYDROXYBUTYRIC ACIDURIA; GABA METABOLIC DEFECT. Identifiers: Orphanet 22, MedGen C0268631, MONDO:0010083, OMIM 271980.

Allele frequency attached by ClinVar (database versions not stated): gnomAD 0.00002; TOPMed 0.00003; ESP Exome Variant Server 0.00008.
gnomAD v4.1: 7 of 1,613,732 alleles (0.00043%); highest among the groups gnomAD compares: African/African-American, 0.004%; no homozygotes.

Submission:

Labcorp Genetics (formerly Invitae), Labcorp
Classification: Uncertain significance for Succinate-semialdehyde dehydrogenase deficiency. Last evaluated: 2020-07-16. Review status: criteria provided, single submitter. Criteria: Invitae Variant Classification Sherloc (09022015). Collection method: clinical testing. Allele origin: germline.
Comment: In summary, the available evidence is currently insufficient to determine the role of this variant in disease. Therefore, it has been classified as a Variant of Uncertain Significance. This sequence change replaces valine with leucine at codon 446 of the ALDH5A1 protein (p.Val446Leu). The valine residue is highly conserved and there is a small physicochemical difference between valine and leucine. This variant is present in population databases (rs370942126, ExAC 0.02%). This variant has not been reported in the literature in individuals with ALDH5A1-related conditions. Algorithms developed to predict the effect of missense changes on protein structure and function are either unavailable or do not agree on the potential impact of this missense change (SIFT: "Deleterious"; PolyPhen-2: "Benign"; Align-GVGD: "Class C0").